The following is an entry in ClinVar:

ClinVar aggregate classification (germline): Benign. Review status: criteria provided, multiple submitters, no conflicts (2 of 4 stars). 11 submissions from 10 submitters: Benign (10). 1 of the submissions does not count toward it. Last evaluated 2026-02-04.

Conditions:
Dyskeratosis congenita, autosomal recessive 5 (DKCB5). Identifiers: MedGen C3554656, MONDO:0014076, OMIM 615190.
Pulmonary fibrosis and/or bone marrow failure, Telomere-related, 3. Also called: PULMONARY FIBROSIS AND/OR BONE MARROW FAILURE SYNDROME, TELOMERE-RELATED, 3. Identifiers: Orphanet 2032, MedGen C4225346, MONDO:0014613, OMIM 616373.
Dyskeratosis congenita. Identifiers: Orphanet 1775, MedGen C0265965, MONDO:0015780.

Allele frequency attached by ClinVar (database versions not stated): ESP Exome Variant Server 0.08810; gnomAD 0.10067 and 0.10382; TOPMed 0.11593; 1000 Genomes Project 0.12400; gnomAD exomes 0.12412 and 0.14870; 1000 Genomes Project 30x 0.12508; ExAC 0.14030.
gnomAD v4.1: 196,949 of 1,610,464 alleles (12%); highest among the groups gnomAD compares: Admixed American, 32%; 14,426 homozygotes.

Submissions (11):

Labcorp Genetics (formerly Invitae), Labcorp
Classification: Benign for Dyskeratosis congenita, autosomal recessive 5; Pulmonary fibrosis and/or bone marrow failure, Telomere-related, 3. Last evaluated: 2026-02-04. Review status: criteria provided, single submitter. Criteria: Invitae Variant Classification Sherloc (09022015). Collection method: clinical testing. Allele origin: germline.

ARUP Laboratories, Molecular Genetics and Genomics, ARUP Laboratories
Classification: Benign. Last evaluated: 2025-07-28. Review status: criteria provided, single submitter. Criteria: ARUP Molecular Germline Variant Investigation Process 2024. Collection method: clinical testing. Allele origin: germline.

Blueprint Genetics
Classification: Benign. Last evaluated: 2024-11-28. Review status: criteria provided, single submitter. Criteria: ACMG Guidelines, 2015. Collection method: clinical testing. Allele origin: germline.

Unidad de Genómica Garrahan, Hospital de Pediatría Garrahan
Classification: Benign. Last evaluated: 2024-01-24. Review status: criteria provided, single submitter. Criteria: ACMG Guidelines, 2015. Collection method: clinical testing. Allele origin: germline. Affected: no. Observed: 41 variant alleles.
Comment: This variant is classified as Benign based on local population frequency. This variant was detected in 43% of patients studied by a panel of primary immunodeficiencies. Number of patients: 41. Only high quality variants are reported.

Genome-Nilou Lab
Classification: Benign for Dyskeratosis congenita, autosomal recessive 5. Last evaluated: 2021-07-10. Review status: criteria provided, single submitter. Criteria: ACMG Guidelines, 2015. Collection method: clinical testing. Allele origin: germline. Affected: no.

Genome-Nilou Lab
Classification: Benign for Pulmonary fibrosis and/or bone marrow failure, Telomere-related, 3. Last evaluated: 2021-07-10. Review status: criteria provided, single submitter. Criteria: ACMG Guidelines, 2015. Collection method: clinical testing. Allele origin: germline. Affected: no.

GeneDx
Classification: Benign. Last evaluated: 2018-11-12. Review status: criteria provided, single submitter. Criteria: GeneDx Variant Classification Process June 2021. Collection method: clinical testing. Allele origin: germline. Affected: yes.

Mayo Clinic Laboratories, Mayo Clinic
Classification: Benign. Last evaluated: 2018-06-13. Review status: criteria provided, single submitter. Criteria: ACMG Guidelines, 2015. Collection method: clinical testing. Allele origin: germline. Observed: 296 variant alleles.

Laboratory for Molecular Medicine, Mass General Brigham Personalized Medicine
Classification: Benign. Last evaluated: 2016-03-29. Review status: criteria provided, single submitter. Criteria: LMM Criteria. Collection method: clinical testing. Allele origin: germline.
Comment: Variant identified in a genome or exome case(s) and assessed due to predicted null impact of the variant or pathogenic assertions in the literature or databases. Disclaimer: This variant has not undergone full assessment. The following are preliminary notes: Frequency

Breakthrough Genomics
Classification: Benign. Review status: criteria provided, single submitter. Criteria: ACMG Guidelines, 2015. Collection method: not provided. Allele origin: germline. Inheritance: Autosomal recessive inheritance. Affected: yes.

Natera, Inc.
Classification: Benign for Dyskeratosis congenita. Last evaluated: 2020-09-16. Review status: no assertion criteria provided. Collection method: clinical testing. Allele origin: germline. Not counted in ClinVar's aggregate classification.

NM_001283009.2(RTEL1):c.3499+5G>T

Genes: RTEL1 (regulator of telomere elongation helicase 1; plus strand), RTEL1-TNFRSF6B (RTEL1-TNFRSF6B readthrough (NMD candidate); plus strand). Cytogenetic location: 20q13.33.
Variant type: single nucleotide variant.
Coding change: c.3499+5G>T on transcript NM_001283009.2 (MANE Select); 5 bases into the intron after coding-DNA position 3499, G replaced by T.
Molecular consequence: intron variant.
Genome position (GRCh38, 1-based): chr20:63,695,226, G>T. VCF-style: chr20-63695226-G-T. GRCh37 (hg19) VCF-style: chr20-62326579-G-T.
Other names: c.2830+5G>T (NM_001283010.1); c.3571+5G>T (NM_032957.5); c.3499+5G>T (NM_016434.4).
Identifiers: ClinVar variation 403403 (VCV000403403.26), dbSNP rs41309931, ClinGen allele CA9966049.